The following is an entry in ClinVar:

ClinVar aggregate classification (germline): Uncertain significance (1 of 4 stars; one submission).

Allele frequency attached by ClinVar (database versions not stated): gnomAD exomes below 0.00001; ExAC 0.00001; gnomAD 0.00001; TOPMed 0.00001.
gnomAD v4.1: 6 of 1,614,070 alleles (0.00037%); highest among the groups gnomAD compares: East Asian, 0.013%; no homozygotes.

Submission:

Labcorp Genetics (formerly Invitae), Labcorp
Classification: Uncertain significance. Last evaluated: 2022-01-20. Review status: criteria provided, single submitter. Criteria: Invitae Variant Classification Sherloc (09022015). Collection method: clinical testing. Allele origin: germline.
Comment: This sequence change replaces lysine, which is basic and polar, with glutamic acid, which is acidic and polar, at codon 537 of the PKP1 protein (p.Lys537Glu). This variant is present in population databases (rs763130822, gnomAD 0.02%). This variant has not been reported in the literature in individuals affected with PKP1-related conditions. Algorithms developed to predict the effect of missense changes on protein structure and function (SIFT, PolyPhen-2, Align-GVGD) all suggest that this variant is likely to be tolerated. In summary, the available evidence is currently insufficient to determine the role of this variant in disease. Therefore, it has been classified as a Variant of Uncertain Significance.

NM_001005337.3(PKP1):c.1609A>G (p.Lys537Glu)

Gene: PKP1 (plakophilin 1; plus strand). Cytogenetic location: 1q32.1.
Variant type: single nucleotide variant.
Coding change: c.1609A>G on transcript NM_001005337.3 (MANE Select); coding-DNA position 1609, A replaced by G.
Protein change: p.Lys537Glu; replaces lysine 537 with glutamic acid.
Molecular consequence: missense variant.
Genome position (GRCh38, 1-based): chr1:201,323,118, A>G. VCF-style: chr1-201323118-A-G. GRCh37 (hg19) VCF-style: chr1-201292246-A-G.
Other names: c.1672A>G, p.Lys558Glu (NM_000299.4); short protein forms K537E, K558E.
Identifiers: ClinVar variation 2088319 (VCV002088319.4), dbSNP rs763130822, ClinGen allele CA1324556.